The following is an entry in ClinVar:

NM_001348323.3(TRIP12):c.1037A>G (p.Lys346Arg)

Gene: TRIP12 (thyroid hormone receptor interactor 12; minus strand). Cytogenetic location: 2q36.3.
Variant type: single nucleotide variant.
Coding change: c.1037A>G on transcript NM_001348323.3 (MANE Select); coding-DNA position 1037, A replaced by G.
Protein change: p.Lys346Arg; replaces lysine 346 with arginine.
Molecular consequence: missense variant. On other transcripts: intron variant (1).
Genome position (GRCh38, 1-based): chr2:229,840,918, T>C on the plus strand (A>G on the coding strand, the complement: TRIP12 is on the minus strand). VCF-style: chr2-229840918-T-C. GRCh37 (hg19) VCF-style: chr2-230705634-T-C.
Other names: c.1037A>G, p.Lys346Arg (NM_001348327.2, NM_001348328.1, NM_001348329.2 and 13 more transcripts); c.911A>G, p.Lys304Arg (NM_001348331.1, NM_004238.3, NM_001284215.2 and 3 more transcripts); c.950A>G, p.Lys317Arg (NM_001348332.1, NM_001348334.1); c.99-3934A>G (NM_001284216.2); short protein forms K304R, K317R, K346R.
Identifiers: ClinVar variation 931101 (VCV000931101.5), dbSNP rs2056267716, ClinGen allele CA350886797.

ClinVar aggregate classification (germline): Uncertain significance. Review status: criteria provided, multiple submitters, no conflicts (2 of 4 stars). 2 submissions from 2 submitters: Uncertain significance (2). Last evaluated 2026-06-01.

Conditions:
Clark-Baraitser syndrome. Also called: Intellectual disability, autosomal dominant 49; BARAITSER SYNDROME; Mental retardation, tall stature, obesity, macrocephaly and typical facial features; MENTAL RETARDATION, AUTOSOMAL DOMINANT 49. Identifiers: Orphanet 600731, MedGen C2931130, MONDO:0030914, OMIM 617752.

Allele frequency attached by ClinVar (database versions not stated): gnomAD exomes below 0.00001.
gnomAD v4.1: 1 of 1,601,524 alleles (0.000062%); highest among the groups gnomAD compares: Admixed American, 0.0018%; no homozygotes.

Submissions (2):

CeGaT Center for Human Genetics Tuebingen
Classification: Uncertain significance. Last evaluated: 2026-06-01. Review status: criteria provided, single submitter. Criteria: CeGaT Center For Human Genetics Tuebingen Variant Classification Criteria Version 2. Collection method: clinical testing. Allele origin: germline. Affected: yes. Observed: 1 variant allele.

Centre for Mendelian Genomics, University Medical Centre Ljubljana
Classification: Uncertain significance for Clark-Baraitser syndrome. Last evaluated: 2019-03-05. Review status: criteria provided, single submitter. Criteria: ACMG Guidelines, 2015. Collection method: clinical testing. Allele origin: unknown. Affected: yes.
Comment: This variant was classified as: Uncertain significance. The available evidence on this variant's pathogenicity is insufficient or conflicting. The following ACMG criteria were applied in classifying this variant: PM2.